The following is an entry in ClinVar:

ClinVar aggregate classification (germline): Pathogenic. Review status: criteria provided, multiple submitters, no conflicts (2 of 4 stars). 3 submissions from 3 submitters: Pathogenic (3). Last evaluated 2024-01-26.

Conditions:
Hereditary cancer-predisposing syndrome. Also called: Neoplastic Syndromes, Hereditary; Hereditary neoplastic syndrome; Tumor predisposition; Hereditary Cancer Syndrome. Identifiers: Orphanet 140162, MedGen C0027672, MeSH D009386, MONDO:0015356.
Familial cancer of breast. Also called: hereditary breast carcinoma; Hereditary breast cancer; BREAST CANCER, FAMILIAL. Identifiers: Orphanet 227535, MedGen C0346153, MONDO:0016419, OMIM 114480. Disease mechanism: loss of function.
Ataxia-telangiectasia syndrome (AT). Also called: Ataxia telangiectasia (A-T); Cerebello-oculocutaneous telangiectasia; Immunodeficiency with ataxia telangiectasia; LOUIS-BAR SYNDROME; AT, COMPLEMENTATION GROUP C; ATAXIA-TELANGIECTASIA, FRESNO VARIANT. Identifiers: Orphanet 100, MedGen C0004135, MONDO:0008840, OMIM 208900.

Allele frequency attached by ClinVar (database versions not stated): gnomAD exomes below 0.00001.

Submissions (3):

Myriad Genetics, Inc.
Classification: Pathogenic for Familial cancer of breast. Last evaluated: 2024-01-26. Review status: criteria provided, single submitter. Criteria: Myriad Autosomal Dominant, Autosomal Recessive and X-Linked Classification Criteria (2023). Collection method: clinical testing. Allele origin: unknown.
Comment: This variant is considered pathogenic. This variant occurs within a consensus splice junction and is predicted to result in abnormal mRNA splicing of either an out-of-frame exon or an in-frame exon necessary for protein stability and/or normal function. This variant has been reported in multiple individuals with clinical features of gene-specific disease [PMID: 21665257, 25122203, 26896183, 32383811].

Labcorp Genetics (formerly Invitae), Labcorp
Classification: Pathogenic for Ataxia-telangiectasia syndrome. Last evaluated: 2023-12-22. Review status: criteria provided, single submitter. Criteria: Invitae Variant Classification Sherloc (09022015). Collection method: clinical testing. Allele origin: germline.
Comment: This sequence change affects an acceptor splice site in intron 38 of the ATM gene. It is expected to disrupt RNA splicing. Variants that disrupt the donor or acceptor splice site typically lead to a loss of protein function (PMID: 16199547), and loss-of-function variants in ATM are known to be pathogenic (PMID: 23807571, 25614872). This variant is present in population databases (no rsID available, gnomAD 0.0009%). Disruption of this splice site has been observed in individuals with ataxia-telangiectasia (PMID: 21665257). This variant is also known as IVS38-2A>C. ClinVar contains an entry for this variant (Variation ID: 232005). Algorithms developed to predict the effect of sequence changes on RNA splicing suggest that this variant may disrupt the consensus splice site. For these reasons, this variant has been classified as Pathogenic.

Ambry Genetics
Classification: Pathogenic for Hereditary cancer-predisposing syndrome. Last evaluated: 2021-03-23. Review status: criteria provided, single submitter. Criteria: Ambry Variant Classification Scheme 2023. Collection method: clinical testing. Allele origin: germline.
Comment: The c.5763-2A>C intronic pathogenic mutation results from an A to C substitution two nucleotides before coding exon 38 in the ATM gene. This intronic splicing mutation has been reported in a French family with Ataxia-Telangiectasia (A-T) along with a second ATM pathogenic mutation. Another family with A-T was also reported to carry a similar variant at the same position that leads to the same splicing impact, ATM c.5763-2A>T, along with a second ATM pathogenic mutation (Micol R et al. J Allergy Clin Immunol. 2011 Aug;128:382-9.e1). This allele was reported in one heterozygous individual in population-based cohorts in the Genome Aggregation Database (gnomAD). In silico splice site analysis predicts that this alteration will weaken the native splice acceptor site and will result in the creation or strengthening of a novel splice acceptor site. In addition to the clinical data presented in the literature, alterations that disrupt the canonical splice site are expected to cause aberrant splicing, resulting in an abnormal protein or a transcript that is subject to nonsense-mediated mRNA decay. As such, this alteration is classified as a disease-causing mutation.

Literature cited by the submitters: PubMed 21665257 (cited by 3 submitters); PubMed 25122203 (cited by Myriad Genetics, Inc.); PubMed 26896183 (cited by Myriad Genetics, Inc.); PubMed 32383811 (cited by Myriad Genetics, Inc.); PubMed 16199547 (cited by Labcorp Genetics (formerly Invitae), Labcorp); PubMed 23807571 (cited by Labcorp Genetics (formerly Invitae), Labcorp); PubMed 25614872 (cited by Labcorp Genetics (formerly Invitae), Labcorp).

NM_000051.4(ATM):c.5763-2A>C

Genes: ATM (ATM serine/threonine kinase; plus strand), C11orf65 (chromosome 11 open reading frame 65; minus strand). Cytogenetic location: 11q22.3.
Variant type: single nucleotide variant.
Coding change: c.5763-2A>C on transcript NM_000051.4 (MANE Select); the canonical splice acceptor site of the intron before coding-DNA position 5763, A replaced by C.
Molecular consequence: splice acceptor variant. On other transcripts: intron variant (2).
Genome position (GRCh38, 1-based): chr11:108,310,158, A>C. VCF-style: chr11-108310158-A-C. GRCh37 (hg19) VCF-style: chr11-108180885-A-C.
Other names: c.5763-2A>C (NM_001351834.2); c.641-1087T>G (NM_001330368.2); c.*39-1087T>G (NM_001351110.2).
Identifiers: ClinVar variation 232005 (VCV000232005.10), dbSNP rs876659489, ClinGen allele CA10579195.